The following is an entry in ClinVar:

ClinVar aggregate classification (germline): Uncertain significance. Review status: criteria provided, multiple submitters, no conflicts (2 of 4 stars). 2 submissions from 2 submitters: Uncertain significance (2). Last evaluated 2025-09-14.

Conditions:
Dilated cardiomyopathy 1D. Identifiers: Orphanet 154, Orphanet 54260, MedGen C1832243, MONDO:0011095, OMIM 601494.
Cardiomyopathy, familial restrictive, 3. Identifiers: Orphanet 75249, MedGen C2676271, MONDO:0012900, OMIM 612422.
Hypertrophic cardiomyopathy 2. Also called: TNNT2-Related Familial Hypertrophic Cardiomyopathy. Identifiers: MedGen C1861864, MONDO:0007266, OMIM 115195.
Cardiomyopathy (CMYO). Also called: Cardiomyopathies. Identifiers: Orphanet 167848, MedGen C0878544, MONDO:0004994, HP:0001638. Inheritance: Various modes of inheritance.

Submissions (2):

Color Diagnostics, LLC DBA Color Health
Classification: Uncertain significance for Cardiomyopathy. Last evaluated: 2025-09-14. Review status: criteria provided, single submitter. Criteria: ACMG Guidelines, 2015. Collection method: clinical testing. Allele origin: germline.
Comment: This missense variant replaces glutamic acid with valine at codon 39 of the TNNT2 protein. Computational prediction suggests that this variant may not impact protein structure and function. To our knowledge, functional studies have not been reported for this variant. This variant has not been reported in individuals affected with TNNT2-related disorders in the literature. This variant has not been identified in the general population by the Genome Aggregation Database (gnomAD). The available evidence is insufficient to determine the role of this variant in disease conclusively. Therefore, this variant is classified as a Variant of Uncertain Significance.

Labcorp Genetics (formerly Invitae), Labcorp
Classification: Uncertain significance for Cardiomyopathy, familial restrictive, 3; Hypertrophic cardiomyopathy 2; Dilated cardiomyopathy 1D. Last evaluated: 2023-10-11. Review status: criteria provided, single submitter. Criteria: Invitae Variant Classification Sherloc (09022015). Collection method: clinical testing. Allele origin: germline.
Comment: This sequence change replaces glutamic acid, which is acidic and polar, with valine, which is neutral and non-polar, at codon 39 of the TNNT2 protein (p.Glu39Val). This variant is not present in population databases (gnomAD no frequency). This variant has not been reported in the literature in individuals affected with TNNT2-related conditions. Advanced modeling of protein sequence and biophysical properties (such as structural, functional, and spatial information, amino acid conservation, physicochemical variation, residue mobility, and thermodynamic stability) performed at Invitae indicates that this missense variant is expected to disrupt TNNT2 protein function. In summary, the available evidence is currently insufficient to determine the role of this variant in disease. Therefore, it has been classified as a Variant of Uncertain Significance.

NM_001276345.2(TNNT2):c.146A>T (p.Glu49Val)

Gene: TNNT2 (troponin T2, cardiac type; minus strand). Cytogenetic location: 1q32.1.
Variant type: single nucleotide variant.
Coding change: c.146A>T on transcript NM_001276345.2 (MANE Select); coding-DNA position 146, A replaced by T.
Protein change: p.Glu49Val; replaces glutamic acid 49 with valine.
Molecular consequence: missense variant.
Genome position (GRCh38, 1-based): chr1:201,368,179, T>A on the plus strand (A>T on the coding strand, the complement: TNNT2 is on the minus strand). VCF-style: chr1-201368179-T-A. GRCh37 (hg19) VCF-style: chr1-201337307-T-A.
Other names: c.146A>T, p.Glu49Val (NM_000364.4, NM_001276346.2, NM_001406723.1); c.116A>T, p.Glu39Val (NM_001001430.3, NM_001001431.3, NM_001276347.2 and 4 more transcripts); c.101A>T, p.Glu34Val (NM_001001432.3, NM_001406728.1); short protein forms E34V, E39V, E49V.
Identifiers: ClinVar variation 2928705 (VCV002928705.4), dbSNP rs2527079745, ClinGen allele CA344207242.